The following is an entry in ClinVar:

NM_000518.5(HBB):c.-122T>A

Genes: HBB (hemoglobin subunit beta; minus strand), LOC106099062 (HBB recombination region; plus strand), LOC107133510 (origin of replication at HBB; plus strand). Cytogenetic location: 11p15.4.
Variant type: single nucleotide variant.
Coding change: c.-122T>A on transcript NM_000518.5 (MANE Select); 122 bases upstream of the start codon, T replaced by A.
Genome position (GRCh38, 1-based): chr11:5,227,143, A>T on the plus strand (T>A on the coding strand, the complement: HBB is on the minus strand). VCF-style: chr11-5227143-A-T. GRCh37 (hg19) VCF-style: chr11-5248373-A-T.
Other names: -72 T>A.
Identifiers: ClinVar variation 869326 (VCV000869326.9), dbSNP rs1272414751, ClinGen allele CA677538286.

ClinVar aggregate classification (germline): Conflicting classifications of pathogenicity. Review status: criteria provided, conflicting classifications (1 of 4 stars). 5 submissions from 5 submitters: Likely pathogenic (2); Uncertain significance (1). 2 of the submissions do not count toward it. Last evaluated 2025-11-10.

Conditions:
beta Thalassemia (BTHAL). Also called: Cooley's anemia; Erythroblastic anemia; Mediterranean anemia. Identifiers: Orphanet 848, MedGen C0005283, MONDO:0019402. Disease mechanism: loss of function.

Allele frequency attached by ClinVar (database versions not stated): TOPMed 0.00002; gnomAD 0.00001.

Submissions (5):

Women's Health and Genetics/Laboratory Corporation of America, LabCorp
Classification: Uncertain significance. Last evaluated: 2025-11-10. Review status: criteria provided, single submitter. Criteria: LabCorp Variant Classification Summary - May 2015. Collection method: clinical testing. Allele origin: germline.
Comment: Variant summary: HBB c.-122T>A is located in the untranscribed region upstream of the HBB gene region. The variant allele was found at a frequency of 1.4e-06 in 740132 control chromosomes. The available data on variant occurrences in the general population are insufficient to allow any conclusion about variant significance. c.-122T>A has been reported in the literature in heterozygous state in at least 3 related individuals who were asymptomatic or had mild anemia, with laboratory values either normal or suggestive of beta-thalassemia carrier trait (e.g. Pirastru_2017, Xinh_2022). These reports do not provide unequivocal conclusions about association of the variant with Hemoglobinopathy. Publications also reported experimental evidence evaluating the variants impact on promotor function, and demonstrated decreased promoter activities (e.g. Pirastru_2017, Kircher_2019). The following publications have been ascertained in the context of this evaluation (PMID: 31395865, 28503568, 35023007, 37592328, 36861191, 36246595, 34893152, 39574796, 34309469, 37771257). ClinVar contains an entry for this variant (Variation ID: 869326). Based on the evidence outlined above, the variant was classified as uncertain significance.

ARUP Laboratories, Molecular Genetics and Genomics, ARUP Laboratories
Classification: Likely pathogenic. Last evaluated: 2023-10-26. Review status: criteria provided, single submitter. Criteria: ARUP Molecular Germline Variant Investigation Process 2024. Collection method: clinical testing. Allele origin: germline.
Comment: The HBB c.-122T>A variant (rs1272414751, HbVar ID: 3029), also known as -72 (T>A), is reported in the literature in individuals affected with beta thalassemia or in heterozygous carriers (Kircher 2019, Pirastru 2017, Xinh 2022, HbVar database), although it is not fully evident whether this variant can cause beta-thalassemia in homozygous or compound heterozygous fashion on the basis of existing literature. This variant is also reported in ClinVar (Variation ID: 869326) and is absent from the Genome Aggregation Database, indicating it is not a common polymorphism. This variant is located in the conserved CCAAT box of the beta-globin gene promoter (Pirastru 2017), and functional analyses by luciferase reporter assay suggest a reduction in beta globin transcription, with a decrease ranging from approximately 18% (Kircher 2019) to 47% (Pirastru 2017). Based on available information, this variant is considered to be likely pathogenic. References: Kircher M et al. Saturation mutagenesis of twenty disease-associated regulatory elements at single base-pair resolution. Nat Commun. 2019 Aug 8;10(1):3583. PMID: 31395865. Pirastru M et al. A Novel -72 (T?A) ß-Promoter Mutation Causing Slightly Elevated HbA2 in a Vietnamese Heterozygote. Biomed Res Int. 2017;2017:4537409. PMID: 28503568. Xinh PT et al. Spectrum of HBB gene mutations among 696 ß-thalassemia patients and carriers in Southern Vietnam. Mol Biol Rep. 2022 Apr;49(4):2601-2606. PMID: 35023007.

Quest Diagnostics Nichols Institute San Juan Capistrano
Classification: Likely pathogenic. Last evaluated: 2022-12-15. Review status: criteria provided, single submitter. Criteria: Quest Diagnostics criteria. Collection method: clinical testing. Allele origin: unknown.
Comment: In the published literature, the variant has been reported in a Vietnamese family with multiple members showing slightly elevated A2 and indices suggestive of Beta Thalassemia Minor (PMID: 28503568 (2017)). Functional studies report the variant is damaging to protein structure and/or function (PMIDs: 28503568 (2017) and 31395865 (2019)). Based on the available information, this variant is classified as likely pathogenic.

Molecular Genetics Laboratory, BC Children's and BC Women's Hospitals
Classification: Likely pathogenic for beta Thalassemia. Last evaluated: 2024-08-23. Review status: no assertion criteria provided. Criteria: ACMG Guidelines, 2015. Collection method: clinical testing. Allele origin: germline. Affected: yes. Not counted in ClinVar's aggregate classification.

The ITHANET community portal, The Cyprus Institute of Neurology and Genetics
Classification: Pathogenic for beta Thalassemia. Last evaluated: 2019-11-25. Review status: no assertion criteria provided. Collection method: curation. Allele origin: germline. Not counted in ClinVar's aggregate classification.

Literature cited by the submitters: PubMed 31395865 (cited by Women's Health and Genetics/Laboratory Corporation of America, LabCorp and Quest Diagnostics Nichols Institute San Juan Capistrano); PubMed 28503568 (cited by 3 submitters); PubMed 35023007 (cited by Women's Health and Genetics/Laboratory Corporation of America, LabCorp); PubMed 36861191 (cited by Women's Health and Genetics/Laboratory Corporation of America, LabCorp); PubMed 34893152 (cited by Women's Health and Genetics/Laboratory Corporation of America, LabCorp); PubMed 37592328 (cited by Women's Health and Genetics/Laboratory Corporation of America, LabCorp); PubMed 34309469 (cited by Women's Health and Genetics/Laboratory Corporation of America, LabCorp); PubMed 37771257 (cited by Women's Health and Genetics/Laboratory Corporation of America, LabCorp); PubMed 36246595 (cited by Women's Health and Genetics/Laboratory Corporation of America, LabCorp); PubMed 39574796 (cited by Women's Health and Genetics/Laboratory Corporation of America, LabCorp).